The following is an entry in ClinVar:

NM_004562.3(PRKN):c.*652C>T

Gene: PRKN (parkin RBR E3 ubiquitin protein ligase; minus strand). Cytogenetic location: 6q26.
Variant type: single nucleotide variant.
Coding change: c.*652C>T on transcript NM_004562.3 (MANE Select); 652 bases downstream of the stop codon, C replaced by T.
Molecular consequence: 3 prime UTR variant.
Genome position (GRCh38, 1-based): chr6:161,349,447, G>A on the plus strand (C>T on the coding strand, the complement: PRKN is on the minus strand). VCF-style: chr6-161349447-G-A. GRCh37 (hg19) VCF-style: chr6-161770479-G-A.
Other names: c.*652C>T (NM_013987.3, NM_013988.3).
Identifiers: ClinVar variation 356006 (VCV000356006.5), dbSNP rs71653629, ClinGen allele CA10621742.

ClinVar aggregate classification (germline): Benign (1 of 4 stars; one submission).

Conditions:
Autosomal recessive juvenile Parkinson disease 2. Also called: PARKINSON DISEASE, JUVENILE, AUTOSOMAL RECESSIVE; Parkinson disease autosomal recessive, early onset; Juvenile parkinsonism; Parkinsonism, early onset, with diurnal fluctuation; PRKN-Related Early-Onset Parkinson Disease; Parkinson disease, juvenile, type 2. Identifiers: Orphanet 2828, MedGen C1868675, MONDO:0010820, OMIM 600116.

Allele frequency attached by ClinVar (database versions not stated): 1000 Genomes Project 30x 0.09838; 1000 Genomes Project 0.09844; gnomAD exomes 0.10533; TOPMed 0.10607; gnomAD 0.11674 and 0.11774.

Submission:

Illumina Laboratory Services, Illumina
Classification: Benign for Autosomal recessive juvenile Parkinson disease 2. Last evaluated: 2018-01-12. Review status: criteria provided, single submitter. Criteria: ICSL Variant Classification Criteria 13 December 2019. Collection method: clinical testing. Allele origin: germline.
Comment: This variant was observed in the ICSL laboratory as part of a predisposition screen in an ostensibly healthy population. It had not been previously curated by ICSL or reported in the Human Gene Mutation Database (HGMD: prior to June 1st, 2018), and was therefore a candidate for classification through an automated scoring system. Utilizing variant allele frequency, disease prevalence and penetrance estimates, and inheritance mode, an automated score was calculated to assess if this variant is too frequent to cause the disease. Based on the score and internal cut-off values, a variant classified as benign is not then subjected to further curation. The score for this variant resulted in a classification of benign for this disease.